The following is an entry in ClinVar:

NM_003331.5(TYK2):c.1683CAT[2] (p.Ile563del)

Gene: TYK2 (tyrosine kinase 2; minus strand). Cytogenetic location: 19p13.2.
Variant type: Microsatellite.
Coding change: c.1683CAT[2] on transcript NM_003331.5 (MANE Select); two copies in a row of the 3-base unit CAT starting at c.1683; the reference has three copies in a row; one copy, 3 bases deleted; also written c.1689_1691del.
Protein change: p.Ile563del; deletes isoleucine 563.
Molecular consequence: inframe deletion.
Genome position (GRCh38, 1-based): chr19:10,362,160-10,362,162, ATG deleted on the plus strand (CAT on the coding strand, the reverse complement: TYK2 is on the minus strand); deleting any 3 consecutive bases within chr19:10,362,160-10,362,169 gives the same sequence; the position shown is the placement nearest the transcript's 3' end. VCF-style (leftmost placement, unchanged base first): chr19-10362159-CATG-C. GRCh37 (hg19) VCF-style: chr19-10472835-CATG-C.
Other names: c.1689_1691del (NM_003331.4); c.1683CAT[2], p.Ile563del (NM_001385197.1, NM_001385198.1, NM_001385199.1 and 5 more transcripts); c.1485CAT[2], p.Ile497del (NM_001385201.1); c.1593CAT[2], p.Ile533del (NM_001385205.1); c.1557CAT[2], p.Ile521del (NM_001385206.1); short protein forms I563del, I497del, I521del, I533del.
Identifiers: ClinVar variation 576467 (VCV000576467.7), dbSNP rs754148696, ClinGen allele CA9193331.

ClinVar aggregate classification (germline): Uncertain significance (1 of 4 stars; one submission).

Conditions:
Immunodeficiency 35 (IMD35). Also called: Susceptibility to infection due to TYK2 deficiency; TYK2 DEFICIENCY; HIES WITH ATYPICAL MYCOBACTERIOSIS, AUTOSOMAL RECESSIVE; HYPER-IgE SYNDROME WITH ATYPICAL MYCOBACTERIOSIS, AUTOSOMAL RECESSIVE. Identifiers: Orphanet 331226, MedGen C1969086, MONDO:0012682, OMIM 611521.

Submission:

Labcorp Genetics (formerly Invitae), Labcorp
Classification: Uncertain significance for Immunodeficiency 35. Last evaluated: 2024-12-09. Review status: criteria provided, single submitter. Criteria: Invitae Variant Classification Sherloc (09022015). Collection method: clinical testing. Allele origin: germline.
Comment: This variant, c.1689_1691del, results in the deletion of 1 amino acid(s) of the TYK2 protein (p.Ile563del), but otherwise preserves the integrity of the reading frame. This variant is present in population databases (rs754148696, gnomAD 0.09%). This variant has not been reported in the literature in individuals affected with TYK2-related conditions. ClinVar contains an entry for this variant (Variation ID: 576467). Experimental studies and prediction algorithms are not available or were not evaluated, and the functional significance of this variant is currently unknown. In summary, the available evidence is currently insufficient to determine the role of this variant in disease. Therefore, it has been classified as a Variant of Uncertain Significance.